The following is an entry in ClinVar:

NM_000701.8(ATP1A1):c.2610T>G (p.Phe870Leu)

Genes: ATP1A1 (ATPase Na+/K+ transporting subunit alpha 1; plus strand), ATP1A1-AS1 (ATP1A1 antisense RNA 1; minus strand). Cytogenetic location: 1p13.1.
Variant type: single nucleotide variant.
Coding change: c.2610T>G on transcript NM_000701.8 (MANE Select); coding-DNA position 2610, T replaced by G.
Protein change: p.Phe870Leu; replaces phenylalanine 870 with leucine.
Molecular consequence: missense variant. On other transcripts: non-coding transcript variant (2).
Genome position (GRCh38, 1-based): chr1:116,400,898, T>G. VCF-style: chr1-116400898-T-G. GRCh37 (hg19) VCF-style: chr1-116943520-T-G.
Other names: c.2610T>G, p.Phe870Leu (NM_001160233.2); c.2517T>G, p.Phe839Leu (NM_001160234.2); short protein forms F870L, F839L.
Identifiers: ClinVar variation 3652854 (VCV003652854.2).

ClinVar aggregate classification (germline): Uncertain significance (1 of 4 stars; one submission).

gnomAD v4.1: 1 of 1,614,220 alleles (0.000062%); highest among the groups gnomAD compares: Non-Finnish European, 0.000085%; no homozygotes.

Submission:

Labcorp Genetics (formerly Invitae), Labcorp
Classification: Uncertain significance. Last evaluated: 2024-05-09. Review status: criteria provided, single submitter. Criteria: Invitae Variant Classification Sherloc (09022015). Collection method: clinical testing. Allele origin: germline.
Comment: This sequence change replaces phenylalanine, which is neutral and non-polar, with leucine, which is neutral and non-polar, at codon 870 of the ATP1A1 protein (p.Phe870Leu). This variant is present in population databases (rs749535308, gnomAD 0.0009%). This variant has not been reported in the literature in individuals affected with ATP1A1-related conditions. Advanced modeling of protein sequence and biophysical properties (such as structural, functional, and spatial information, amino acid conservation, physicochemical variation, residue mobility, and thermodynamic stability) performed at Invitae indicates that this missense variant is not expected to disrupt ATP1A1 protein function with a negative predictive value of 80%. In summary, the available evidence is currently insufficient to determine the role of this variant in disease. Therefore, it has been classified as a Variant of Uncertain Significance.